The following is an entry in ClinVar:

ClinVar aggregate classification (germline): Conflicting classifications of pathogenicity. Review status: criteria provided, conflicting classifications (1 of 4 stars). 3 submissions from 3 submitters: Uncertain significance (1); Likely benign (2). Last evaluated 2026-01-01.

Conditions:
Autosomal recessive ataxia, Beauce type. Also called: SYNE1-Related Autosomal Recessive Cerebellar Ataxia; SYNE1 Deficiency; Spinocerebellar ataxia, autosomal recessive 8; ATAXIA, RECESSIVE, OF BEAUCE. Identifiers: Orphanet 88644, MedGen C1853116, MONDO:0012549, OMIM 610743.
Emery-Dreifuss muscular dystrophy 4, autosomal dominant (EDMD4). Also called: EMERY-DREIFUSS MUSCULAR DYSTROPHY 4 WITH VARIABLE FEATURES. Identifiers: Orphanet 261, MedGen C2751807, MONDO:0013071, OMIM 612998.

Allele frequency attached by ClinVar (database versions not stated): gnomAD 0.00004; gnomAD exomes 0.00005; TOPMed 0.00006.
gnomAD v4.1: 83 of 1,613,608 alleles (0.0051%); highest among the groups gnomAD compares: Non-Finnish European, 0.0065%; no homozygotes.

Submissions (3):

CeGaT Center for Human Genetics Tuebingen
Classification: Likely benign. Last evaluated: 2026-01-01. Review status: criteria provided, single submitter. Criteria: CeGaT Center For Human Genetics Tuebingen Variant Classification Criteria Version 2. Collection method: clinical testing. Allele origin: germline. Affected: yes. Observed: 1 variant allele.
Comment: SYNE1: BP4

Labcorp Genetics (formerly Invitae), Labcorp
Classification: Likely benign for Emery-Dreifuss muscular dystrophy 4, autosomal dominant; Autosomal recessive ataxia, Beauce type. Last evaluated: 2025-11-11. Review status: criteria provided, single submitter. Criteria: Invitae Variant Classification Sherloc (09022015). Collection method: clinical testing. Allele origin: germline.

Athena Diagnostics
Classification: Uncertain significance. Last evaluated: 2022-01-12. Review status: criteria provided, single submitter. Criteria: Athena Diagnostics Criteria. Collection method: clinical testing. Allele origin: unknown.

NM_182961.4(SYNE1):c.23020-7A>G

Gene: SYNE1 (spectrin repeat containing nuclear envelope protein 1; minus strand). Cytogenetic location: 6q25.2.
Variant type: single nucleotide variant.
Coding change: c.23020-7A>G on transcript NM_182961.4 (MANE Select); 7 bases into the intron before coding-DNA position 23020, A replaced by G.
Molecular consequence: intron variant.
Genome position (GRCh38, 1-based): chr6:152,201,956, T>C on the plus strand (A>G on the coding strand, the complement: SYNE1 is on the minus strand). VCF-style: chr6-152201956-T-C. GRCh37 (hg19) VCF-style: chr6-152523091-T-C.
Other names: c.22807-7A>G (NM_033071.5).
Identifiers: ClinVar variation 1807186 (VCV001807186.8), dbSNP rs919882726, ClinGen allele CA150168498.